The following is an entry in ClinVar:

ClinVar aggregate classification (germline): Benign/Likely benign. Review status: criteria provided, multiple submitters, no conflicts (2 of 4 stars). 2 submissions from 2 submitters: Benign (1); Likely benign (1). Last evaluated 2024-04-01.

Conditions:
Familial adenomatous polyposis 1 (FAP1). Also called: FAMILIAL ADENOMATOUS POLYPOSIS 1, ATTENUATED; POLYPOSIS, ADENOMATOUS INTESTINAL. Identifiers: MedGen C2713442, MONDO:0021056, OMIM 175100. Disease mechanism: loss of function.

Submissions (2):

Myriad Genetics, Inc.
Classification: Benign for Familial adenomatous polyposis 1. Last evaluated: 2024-04-01. Review status: criteria provided, single submitter. Criteria: Myriad Autosomal Dominant, Autosomal Recessive and X-Linked Classification Criteria (2023). Collection method: clinical testing. Allele origin: unknown.
Comment: This variant is considered benign. This variant is a silent/synonymous amino acid change and it is not expected to impact splicing.

Labcorp Genetics (formerly Invitae), Labcorp
Classification: Likely benign for Familial adenomatous polyposis 1. Last evaluated: 2020-10-08. Review status: criteria provided, single submitter. Criteria: Invitae Variant Classification Sherloc (09022015). Collection method: clinical testing. Allele origin: germline.

NM_000038.6(APC):c.5328A>G (p.Val1776=)

Gene: APC (APC regulator of Wnt signaling pathway; plus strand). Cytogenetic location: 5q22.2.
Variant type: single nucleotide variant.
Coding change: c.5328A>G on transcript NM_000038.6 (MANE Select); coding-DNA position 5328, A replaced by G.
Protein change: p.Val1776=; no amino-acid change (valine 1776 retained).
Molecular consequence: synonymous variant.
Genome position (GRCh38, 1-based): chr5:112,840,922, A>G. VCF-style: chr5-112840922-A-G. GRCh37 (hg19) VCF-style: chr5-112176619-A-G.
Other names: c.5328A>G, p.Val1776= (NM_001127510.3, NM_001354895.2); c.5274A>G, p.Val1758= (NM_001127511.3); c.5382A>G, p.Val1794= (NM_001354896.2); c.5358A>G, p.Val1786= (NM_001354897.2); c.5253A>G, p.Val1751= (NM_001354898.2); c.5244A>G, p.Val1748= (NM_001354899.2); c.5205A>G, p.Val1735= (NM_001354900.2); c.5151A>G, p.Val1717= (NM_001354901.2); and 5 more.
Identifiers: ClinVar variation 1146357 (VCV001146357.11), dbSNP rs2149937593, ClinGen allele CA446208796.